The following is an entry in ClinVar:

ClinVar aggregate classification (germline): Uncertain significance. Review status: criteria provided, multiple submitters, no conflicts (2 of 4 stars). 3 submissions from 3 submitters: Uncertain significance (3). Last evaluated 2025-06-29.

Conditions:
Hereditary cancer-predisposing syndrome. Also called: Hereditary Cancer Syndrome; Neoplastic Syndromes, Hereditary; Tumor predisposition; Hereditary neoplastic syndrome. Identifiers: Orphanet 140162, MedGen C0027672, MeSH D009386, MONDO:0015356.
Ataxia-telangiectasia syndrome (AT). Also called: Ataxia telangiectasia (A-T); Ataxia-telangiectasia, complementation group E; LOUIS-BAR SYNDROME; Cerebello-oculocutaneous telangiectasia; Immunodeficiency with ataxia telangiectasia; Ataxia-telangiectasia, complementation group D. Identifiers: Orphanet 100, MedGen C0004135, MONDO:0008840, OMIM 208900.

Allele frequency attached by ClinVar (database versions not stated): gnomAD exomes below 0.00001; TOPMed below 0.00001.

Submissions (3):

Catlab - Consorci Sanitari de Terrassa
Classification: Uncertain significance for Hereditary cancer-predisposing syndrome. Last evaluated: 2025-06-29. Review status: criteria provided, single submitter. Criteria: ClinGen HBOP ACMG Specifications ATM Version1_3. Collection method: clinical testing. Allele origin: germline.
Comment: Based on the currently available information, this variant is classified as Variant of Uncertain Significance according to ClinGen-ATM v1.3.0 guidelines. ACMG criteria: PM2_supp, BP4.

Labcorp Genetics (formerly Invitae), Labcorp
Classification: Uncertain significance for Ataxia-telangiectasia syndrome. Last evaluated: 2025-02-23. Review status: criteria provided, single submitter. Criteria: Invitae Variant Classification Sherloc (09022015). Collection method: clinical testing. Allele origin: germline.
Comment: This sequence change replaces serine, which is neutral and polar, with phenylalanine, which is neutral and non-polar, at codon 160 of the ATM protein (p.Ser160Phe). This variant is not present in population databases (gnomAD no frequency). This variant has not been reported in the literature in individuals affected with ATM-related conditions. ClinVar contains an entry for this variant (Variation ID: 232188). Invitae Evidence Modeling of protein sequence and biophysical properties (such as structural, functional, and spatial information, amino acid conservation, physicochemical variation, residue mobility, and thermodynamic stability) indicates that this missense variant is not expected to disrupt ATM protein function with a negative predictive value of 95%. In summary, the available evidence is currently insufficient to determine the role of this variant in disease. Therefore, it has been classified as a Variant of Uncertain Significance.

Ambry Genetics
Classification: Uncertain significance for Hereditary cancer-predisposing syndrome. Last evaluated: 2024-03-27. Review status: criteria provided, single submitter. Criteria: Ambry Variant Classification Scheme 2023. Collection method: clinical testing. Allele origin: germline.
Comment: The p.S160F variant (also known as c.479C>T), located in coding exon 4 of the ATM gene, results from a C to T substitution at nucleotide position 479. The serine at codon 160 is replaced by phenylalanine, an amino acid with highly dissimilar properties. This alteration has been detected in 0/4112 breast cancer patients and 1/2399 healthy control individuals across numerous studies (Tavtigian SV et al. Am. J. Hum. Genet. 2009 Oct;85:427-46). This amino acid position is not well conserved in available vertebrate species. In addition, this alteration is predicted to be tolerated by in silico analysis. Since supporting evidence is limited at this time, the clinical significance of this alteration remains unclear.

Literature cited by the submitters: PubMed 19781682 (cited by Ambry Genetics).

NM_000051.4(ATM):c.479C>T (p.Ser160Phe)

Gene: ATM (ATM serine/threonine kinase; plus strand). Cytogenetic location: 11q22.3.
Variant type: single nucleotide variant.
Coding change: c.479C>T on transcript NM_000051.4 (MANE Select); coding-DNA position 479, C replaced by T.
Protein change: p.Ser160Phe; replaces serine 160 with phenylalanine.
Molecular consequence: missense variant.
Genome position (GRCh38, 1-based): chr11:108,235,817, C>T. VCF-style: chr11-108235817-C-T. GRCh37 (hg19) VCF-style: chr11-108106544-C-T.
Other names: c.479C>T, p.Ser160Phe (NM_001351834.2); short protein forms S160F.
Identifiers: ClinVar variation 232188 (VCV000232188.16), dbSNP rs35858242, ClinGen allele CA10578959.